The following is an entry in ClinVar:

NM_001037160.3(CYS1):c.80C>A (p.Ala27Glu)

Genes: CYS1 (cystin 1; minus strand), LOC129933088 (ATAC-STARR-seq lymphoblastoid silent region 11155; plus strand). Cytogenetic location: 2p25.1.
Variant type: single nucleotide variant.
Coding change: c.80C>A on transcript NM_001037160.3 (MANE Select); coding-DNA position 80, C replaced by A.
Protein change: p.Ala27Glu; replaces alanine 27 with glutamic acid.
Molecular consequence: missense variant.
Genome position (GRCh38, 1-based): chr2:10,080,144, G>T on the plus strand (C>A on the coding strand, the complement: CYS1 is on the minus strand). VCF-style: chr2-10080144-G-T. GRCh37 (hg19) VCF-style: chr2-10220271-G-T.
Other names: short protein forms A27E.
Identifiers: ClinVar variation 2353420 (VCV002353420.3), dbSNP rs749802060, ClinGen allele CA1525912.

ClinVar aggregate classification (germline): Conflicting classifications of pathogenicity. Review status: criteria provided, conflicting classifications (1 of 4 stars). 2 submissions from 2 submitters: Uncertain significance (1); Likely benign (1). Last evaluated 2024-12-04.

Conditions:
CYS1-related condition.

Allele frequency attached by ClinVar (database versions not stated): 1000 Genomes Project 30x 0.00250.
gnomAD v4.1: 372 of 1,045,522 alleles (0.036%); highest among the groups gnomAD compares: African/African-American, 0.53%; 1 homozygote.

Submissions (2):

PreventionGenetics, part of Exact Sciences
Classification: Likely benign for CYS1-related condition. Last evaluated: 2024-12-04. Review status: criteria provided, single submitter. Criteria: ACMG Guidelines, 2015. Collection method: clinical testing. Allele origin: germline.
Comment: This variant is classified as likely benign based on ACMG/AMP sequence variant interpretation guidelines (Richards et al. 2015 PMID: 25741868, with internal and published modifications).

Ambry Genetics
Classification: Uncertain significance. Last evaluated: 2021-07-27. Review status: criteria provided, single submitter. Criteria: Ambry Variant Classification Scheme 2023. Collection method: clinical testing. Allele origin: germline.